The following is an entry in ClinVar:

ClinVar aggregate classification (germline): Uncertain significance. Review status: criteria provided, multiple submitters, no conflicts (2 of 4 stars). 2 submissions from 2 submitters: Uncertain significance (2). Last evaluated 2024-04-24.

Conditions:
Encephalopathy, acute, infection-induced (herpes-specific), susceptibility to, 6. Also called: Herpes simplex encephalitis, susceptibility to, 4. Identifiers: Orphanet 1930, MedGen C3553869, MONDO:0013921, OMIM 614850.

Allele frequency attached by ClinVar (database versions not stated): gnomAD exomes 0.00001 and 0.00009; TOPMed 0.00003; ExAC 0.00010; gnomAD 0.00005.
gnomAD v4.1: 26 of 1,614,044 alleles (0.0016%); highest among the groups gnomAD compares: East Asian, 0.049%; no homozygotes.

Submissions (2):

Labcorp Genetics (formerly Invitae), Labcorp
Classification: Uncertain significance for Encephalopathy, acute, infection-induced (herpes-specific), susceptibility to, 6. Last evaluated: 2024-04-24. Review status: criteria provided, single submitter. Criteria: Invitae Variant Classification Sherloc (09022015). Collection method: clinical testing. Allele origin: germline.
Comment: This sequence change replaces glutamic acid, which is acidic and polar, with lysine, which is basic and polar, at codon 406 of the TICAM1 protein (p.Glu406Lys). This variant is present in population databases (rs751265594, gnomAD 0.1%). This variant has not been reported in the literature in individuals affected with TICAM1-related conditions. ClinVar contains an entry for this variant (Variation ID: 657195). An algorithm developed to predict the effect of missense changes on protein structure and function (PolyPhen-2) suggests that this variant is likely to be disruptive. In summary, the available evidence is currently insufficient to determine the role of this variant in disease. Therefore, it has been classified as a Variant of Uncertain Significance.

Ambry Genetics
Classification: Uncertain significance. Last evaluated: 2023-02-06. Review status: criteria provided, single submitter. Criteria: Ambry Variant Classification Scheme 2023. Collection method: clinical testing. Allele origin: germline.

NM_182919.4(TICAM1):c.1216G>A (p.Glu406Lys)

Gene: TICAM1 (TIR domain containing adaptor molecule 1; minus strand). Cytogenetic location: 19p13.3.
Variant type: single nucleotide variant.
Coding change: c.1216G>A on transcript NM_182919.4 (MANE Select); coding-DNA position 1216, G replaced by A.
Protein change: p.Glu406Lys; replaces glutamic acid 406 with lysine.
Molecular consequence: missense variant.
Genome position (GRCh38, 1-based): chr19:4,817,162, C>T on the plus strand (G>A on the coding strand, the complement: TICAM1 is on the minus strand). VCF-style: chr19-4817162-C-T. GRCh37 (hg19) VCF-style: chr19-4817174-C-T.
Other names: c.1216G>A (NM_182919.2); c.1174G>A, p.Glu392Lys (NM_001385678.1); c.1081G>A, p.Glu361Lys (NM_001385679.1); c.574G>A, p.Glu192Lys (NM_001385680.1); short protein forms E406K, E192K, E361K, E392K.
Identifiers: ClinVar variation 657195 (VCV000657195.9), dbSNP rs751265594, ClinGen allele CA9105181.
Genomic context (GRCh38, chr19:4,817,162, plus strand): 5'-TGGCCCCGTCGGGCACGCCAAGGGCCTCCAGCTTCTCCCGAACCCGCAGGGCGATGTGTT[C>T]GTCTGCCCTGGCGTGGAGGATCACAAAGTTATAGAATTTCTGTTCCGATGATGATTCCAG-3'
Protein context (NP_891549.1, residues 396-416): NFVILHARAD[Glu406Lys]HIALRVREKL